The following is an entry in ClinVar:

ClinVar aggregate classification (germline): Uncertain significance (1 of 4 stars; one submission).

Conditions:
Familial thoracic aortic aneurysm and aortic dissection (TAAD). Also called: Thoracic aortic aneurysms and dissections. Identifiers: Orphanet 91387, MedGen C4707243, MONDO:0019625.

gnomAD v4.1: 1 of 1,614,174 alleles (0.000062%); highest among the groups gnomAD compares: Non-Finnish European, 0.000085%; no homozygotes.

Submission:

Molecular Genetics, Royal Melbourne Hospital
Classification: Uncertain significance for Familial thoracic aortic aneurysm and aortic dissection. Last evaluated: 2025-02-06. Review status: criteria provided, single submitter. Criteria: ACMG Guidelines, 2015. Collection method: clinical testing. Allele origin: germline. Inheritance: Autosomal dominant inheritance. Affected: yes.
Comment: This sequence change in THSD4 is a variant outside of canonical acceptor site in intron 17. The results from an in silico splicing predictor (SpliceAI) indicate that this variant may impact splicing by weakening the acceptor splice which may lead to exon 18 skipping (last exon). RNA assays have not been conducted to confirm this prediction. The highest population minor allele frequency in the population database gnomAD v4.1 is 0.000085% (1/1,180,012 alleles) in the European (non-Finnish) population, consistent with an autosomal dominant aortopathy. To our knowledge, this variant is novel and has not been previously reported in the relevant scientific literature or databases. Based on the classification scheme RMH Modified ACMG Guidelines v1.7.0, this variant is classified as a VARIANT OF UNCERTAIN SIGNIFICANCE. Following criteria are met: PM2_Supporting, PP3

NM_024817.3(THSD4):c.2915-8C>G

Gene: THSD4 (thrombospondin type 1 domain containing 4; plus strand). Cytogenetic location: 15q23.
Variant type: single nucleotide variant.
Coding change: c.2915-8C>G on transcript NM_024817.3 (MANE Select); 8 bases into the intron before coding-DNA position 2915, C replaced by G.
Molecular consequence: intron variant.
Genome position (GRCh38, 1-based): chr15:71,777,224, C>G. VCF-style: chr15-71777224-C-G. GRCh37 (hg19) VCF-style: chr15-72069563-C-G.
Other names: c.2915-8C>G (NM_001394532.1); c.1835-8C>G (NM_001286429.2).
Identifiers: ClinVar variation 3773751 (VCV003773751.1).